The following is an entry in ClinVar:

ClinVar aggregate classification (germline): Uncertain significance (1 of 4 stars; one submission).

Conditions:
Inborn genetic diseases. Identifiers: MedGen C0950123, MeSH D030342.

Submission:

Ambry Genetics
Classification: Uncertain significance for Inborn genetic diseases. Last evaluated: 2024-10-23. Review status: criteria provided, single submitter. Criteria: Ambry Variant Classification Scheme 2023. Collection method: clinical testing. Allele origin: germline.
Comment: The p.K329M variant (also known as c.986A>T), located in coding exon 9 of the MDH2 gene, results from an A to T substitution at nucleotide position 986. The lysine at codon 329 is replaced by methionine, an amino acid with similar properties. This amino acid position is conserved. In addition, the in silico prediction for this alteration is inconclusive. Based on the available evidence, the clinical significance of this variant remains unclear.

NM_005918.4(MDH2):c.986A>T (p.Lys329Met)

Gene: MDH2 (malate dehydrogenase 2; plus strand). Cytogenetic location: 7q11.23.
Variant type: single nucleotide variant.
Coding change: c.986A>T on transcript NM_005918.4 (MANE Select); coding-DNA position 986, A replaced by T.
Protein change: p.Lys329Met; replaces lysine 329 with methionine.
Molecular consequence: missense variant.
Genome position (GRCh38, 1-based): chr7:76,066,379, A>T. VCF-style: chr7-76066379-A-T. GRCh37 (hg19) VCF-style: chr7-75695697-A-T.
Other names: c.860A>T, p.Lys287Met (NM_001282403.2); c.665A>T, p.Lys222Met (NM_001282404.2); short protein forms K287M, K329M, K222M.
Identifiers: ClinVar variation 3394078 (VCV003394078.1).
Genomic context (GRCh38, chr7:76,066,379, plus strand): 5'-CCTCTTTTGAGGAGAAGATGATCTCGGATGCCATCCCCGAGCTGAAGGCCTCCATCAAGA[A>T]GGGGGAAGATTTCGTGAAGACCCTGAAGTGAGCCGCTGTGACGGGTGGCCAGTTTCCTTA-3'
Protein context (NP_005909.2, residues 319-338): AIPELKASIK[Lys329Met]GEDFVKTLK